The following is an entry in ClinVar:

NM_032977.4(CASP10):c.1350G>T (p.Arg450=)

Gene: CASP10 (caspase 10; plus strand). Cytogenetic location: 2q33.1.
Variant type: single nucleotide variant.
Coding change: c.1350G>T on transcript NM_032977.4 (MANE Select); coding-DNA position 1350, G replaced by T.
Protein change: p.Arg450=; no amino-acid change (arginine 450 retained).
Molecular consequence: synonymous variant. On other transcripts: 3 prime UTR variant (1).
Genome position (GRCh38, 1-based): chr2:201,209,497, G>T. VCF-style: chr2-201209497-G-T. GRCh37 (hg19) VCF-style: chr2-202074220-G-T.
Other names: c.1149G>T, p.Arg383= (NM_001206524.2); c.1221G>T, p.Arg407= (NM_001206542.2, NM_001230.5); c.1350G>T, p.Arg450= (NM_032974.5); c.*436G>T (NM_032976.4).
Identifiers: ClinVar variation 333438 (VCV000333438.12), dbSNP rs370670949, ClinGen allele CA2053227.

ClinVar aggregate classification (germline): Likely benign. Review status: criteria provided, multiple submitters, no conflicts (2 of 4 stars). 2 submissions from 2 submitters: Likely benign (2). Last evaluated 2025-11-28.

Conditions:
Autoimmune lymphoproliferative syndrome type 2A (ALPS2A). Also called: CASP10-Related Autoimmune Lymphoproliferative Syndrome; AUTOIMMUNE LYMPHOPROLIFERATIVE SYNDROME, TYPE IIA; Autoimmune lymphoproliferative syndrome type 2. Identifiers: Orphanet 3261, MedGen C1858968, MONDO:0011383, OMIM 603909.

Allele frequency attached by ClinVar (database versions not stated): gnomAD exomes 0.00001 and 0.00004; ExAC 0.00002; gnomAD 0.00003; TOPMed 0.00003; ESP Exome Variant Server 0.00008.
gnomAD v4.1: 55 of 1,613,532 alleles (0.0034%); highest among the groups gnomAD compares: Non-Finnish European, 0.0046%; no homozygotes.

Submissions (2):

Labcorp Genetics (formerly Invitae), Labcorp
Classification: Likely benign for Autoimmune lymphoproliferative syndrome type 2A. Last evaluated: 2025-11-28. Review status: criteria provided, single submitter. Criteria: Invitae Variant Classification Sherloc (09022015). Collection method: clinical testing. Allele origin: germline.

Illumina Laboratory Services, Illumina
Classification: Likely benign for Autoimmune lymphoproliferative syndrome type 2A. Last evaluated: 2018-01-12. Review status: criteria provided, single submitter. Criteria: ICSL Variant Classification Criteria 13 December 2019. Collection method: clinical testing. Allele origin: germline.
Comment: This variant was observed in the ICSL laboratory as part of a predisposition screen in an ostensibly healthy population. It had not been previously curated by ICSL or reported in the Human Gene Mutation Database (HGMD: prior to June 1st, 2018), and was therefore a candidate for classification through an automated scoring system. Utilizing variant allele frequency, disease prevalence and penetrance estimates, and inheritance mode, an automated score was calculated to assess if this variant is too frequent to cause the disease. Based on the score and internal cut-off values, a variant classified as likely benign is not then subjected to further curation. The score for this variant resulted in a classification of likely benign for this disease.